The following is an entry in ClinVar:

ClinVar aggregate classification (germline): Uncertain significance. Review status: criteria provided, single submitter (1 of 4 stars). 2 submissions from 2 submitters: Uncertain significance (1). 1 of the submissions does not count toward it. Last evaluated 2023-09-19.

Conditions:
BBS4-related disorder. Also called: BBS4-related condition.
Retinal dystrophy. Also called: Inherited retinal dystrophy. Identifiers: Orphanet 71862, MedGen C0854723, MeSH D058499, MONDO:0019118, HP:0000556.

Allele frequency attached by ClinVar (database versions not stated): TOPMed below 0.00001; gnomAD 0.00001; gnomAD exomes 0.00001.
gnomAD v4.1: 11 of 1,613,904 alleles (0.00068%); highest among the groups gnomAD compares: Non-Finnish European, 0.00093%; no homozygotes.

Submissions (2):

PreventionGenetics, part of Exact Sciences
Classification: Uncertain significance for BBS4-related condition. Last evaluated: 2023-09-19. Review status: criteria provided, single submitter. Criteria: ACMG Guidelines, 2015. Collection method: clinical testing. Allele origin: germline.
Comment: The BBS4 c.464A>C variant is predicted to result in the amino acid substitution p.Gln155Pro. To our knowledge, this variant has not been reported in the literature or in a large population database, indicating this variant is rare. At this time, the clinical significance of this variant is uncertain due to the absence of conclusive functional and genetic evidence.

Institute of Human Genetics, Univ. Regensburg, Univ. Regensburg
Classification: Uncertain significance for Retinal dystrophy. Last evaluated: 2023-01-01. Review status: no assertion criteria provided. Criteria: ACMG Guidelines, 2015. Collection method: clinical testing. Allele origin: germline. Affected: yes. Not counted in ClinVar's aggregate classification.

NM_033028.5(BBS4):c.464A>C (p.Gln155Pro)

Gene: BBS4 (Bardet-Biedl syndrome 4; plus strand). Cytogenetic location: 15q24.1.
Variant type: single nucleotide variant.
Coding change: c.464A>C on transcript NM_033028.5 (MANE Select); coding-DNA position 464, A replaced by C.
Protein change: p.Gln155Pro; replaces glutamine 155 with proline.
Molecular consequence: missense variant. On other transcripts: 5 prime UTR variant (1), non-coding transcript variant (2).
Genome position (GRCh38, 1-based): chr15:72,724,532, A>C. VCF-style: chr15-72724532-A-C. GRCh37 (hg19) VCF-style: chr15-73016873-A-C.
Other names: c.-53A>C (NM_001252678.2); c.464A>C, p.Gln155Pro (NM_001320665.2); short protein forms Q155P.
Identifiers: ClinVar variation 2636498 (VCV002636498.2), dbSNP rs2065632499, ClinGen allele CA393076385.
Genomic context (GRCh38, chr15:72,724,532, plus strand): 5'-GTATAGTTCGTTCAGTGGTAGTGATTTGGTTTTCTTTATTTTGTTAAACTTGTCAGGCAC[A>C]AGACCAGTTGCACAATGCCCTGAATCTTAATAGGCACGATCTGACTTATATAATGCTGGG-3'
Protein context (NP_149017.2, residues 145-165): YIYLKQFNKA[Gln155Pro]DQLHNALNLN